The following is an entry in ClinVar:

ClinVar aggregate classification (germline): Pathogenic. Review status: criteria provided, single submitter (1 of 4 stars). 2 submissions from 1 submitter: Pathogenic (1). 1 of the submissions does not count toward it. Last evaluated 2022-12-17.

Conditions:
Combined immunodeficiency due to DOCK8 deficiency (HIES2). Also called: HIES autosomal recessive; HYPER-IgE RECURRENT INFECTION SYNDROME 2, AUTOSOMAL RECESSIVE; Hyper-IgE recurrent infection syndrome, autosomal recessive; DOCK8 Deficiency; HYPER-IgE SYNDROME 2, AUTOSOMAL RECESSIVE, WITH RECURRENT INFECTIONS. Identifiers: Orphanet 217390, MedGen C4722305, MONDO:0009478, OMIM 243700.

Submissions (2):

Dubai Health Genomic Medicine Center, Dubai Health
Classification: Pathogenic. Last evaluated: 2022-12-17. Review status: criteria provided, single submitter. Criteria: ACMG Guidelines, 2015. Collection method: clinical testing. Allele origin: germline. Affected: yes.

Dubai Health Genomic Medicine Center, Dubai Health
Classification: Pathogenic for Combined immunodeficiency due to DOCK8 deficiency. Last evaluated: 2021-01-26. Review status: flagged submission. Criteria: ACMG Guidelines, 2015. Collection method: clinical testing. Allele origin: germline. Affected: yes. Not counted in ClinVar's aggregate classification.
Comment: The c.4241+1G>A variant in DOCK8 has not been previously reported in affected individuals and was absent from large population studies such as the Genome Aggegation Database (gnomAD) and the Greater Middle East (GME) variome database. This variant occurs in the invariant region (+/- 1/2) of the splice consensus sequence and is predicted to cause altered splicing leading to an abnormal or absent protein. The c.4241+1G>A variant resides in exon 34 (out of 49) where other pathogenic variants were reported in patients with the disease (Human Gene Mutation Database). In summary this variant meets our criteria to be classified as pathogenic.
ClinVar note: Reason: This record appears to be redundant with a more recent record from the same submitter.
ClinVar note: Notes: SCV001984707 appears to be redundant with SCV002818211.

NM_203447.4(DOCK8):c.4241+1G>A

Gene: DOCK8 (dedicator of cytokinesis 8; plus strand). Cytogenetic location: 9p24.3.
Variant type: single nucleotide variant.
Coding change: c.4241+1G>A on transcript NM_203447.4 (MANE Select); the canonical splice donor site of the intron after coding-DNA position 4241, G replaced by A.
Molecular consequence: splice donor variant.
Genome position (GRCh38, 1-based): chr9:422,136, G>A. VCF-style: chr9-422136-G-A. GRCh37 (hg19) VCF-style: chr9-422136-G-A.
Other names: c.4037+1G>A (NM_001193536.2); c.3941+1G>A (NM_001190458.2).
Identifiers: ClinVar variation 1301836 (VCV001301836.2), dbSNP rs2131649330, ClinGen allele CA372764977.